The following is an entry in ClinVar:

NM_138387.4(G6PC3):c.854C>A (p.Ala285Asp)

Gene: G6PC3 (glucose-6-phosphatase catalytic subunit 3; plus strand). Cytogenetic location: 17q21.31.
Variant type: single nucleotide variant.
Coding change: c.854C>A on transcript NM_138387.4 (MANE Select); coding-DNA position 854, C replaced by A.
Protein change: p.Ala285Asp; replaces alanine 285 with aspartic acid.
Molecular consequence: missense variant. On other transcripts: 3 prime UTR variant (1).
Genome position (GRCh38, 1-based): chr17:44,075,856, C>A. VCF-style: chr17-44075856-C-A. GRCh37 (hg19) VCF-style: chr17-42153224-C-A.
Other names: c.*147C>A (NM_001319945.2); c.509C>A, p.Ala170Asp (NM_001384165.1, NM_001384166.1, NM_001384167.1 and 1 more transcripts); short protein forms A285D, A170D.
Identifiers: ClinVar variation 959279 (VCV000959279.10), dbSNP rs1335171821, ClinGen allele CA399729456.

ClinVar aggregate classification (germline): Uncertain significance. Review status: criteria provided, multiple submitters, no conflicts (2 of 4 stars). 2 submissions from 2 submitters: Uncertain significance (2). Last evaluated 2025-02-13.

Conditions:
Inborn genetic diseases. Identifiers: MedGen C0950123, MeSH D030342.
Autosomal recessive severe congenital neutropenia due to G6PC3 deficiency. Also called: G6PC3 Deficiency; NEUTROPENIA, SEVERE CONGENITAL, 4, AUTOSOMAL RECESSIVE. Identifiers: Orphanet 331176, MedGen C2751630, MONDO:0012930, OMIM 612541.

Submissions (2):

Ambry Genetics
Classification: Uncertain significance for Inborn genetic diseases. Last evaluated: 2025-02-13. Review status: criteria provided, single submitter. Criteria: Ambry Variant Classification Scheme 2023. Collection method: clinical testing. Allele origin: germline.
Comment: The p.A285D variant (also known as c.854C>A), located in coding exon 6 of the G6PC3 gene, results from a C to A substitution at nucleotide position 854. The alanine at codon 285 is replaced by aspartic acid, an amino acid with dissimilar properties. This amino acid position is conserved. In addition, the in silico prediction for this alteration is inconclusive. Based on the available evidence, the clinical significance of this variant remains unclear.

Labcorp Genetics (formerly Invitae), Labcorp
Classification: Uncertain significance for Autosomal recessive severe congenital neutropenia due to G6PC3 deficiency. Last evaluated: 2019-09-10. Review status: criteria provided, single submitter. Criteria: Invitae Variant Classification Sherloc (09022015). Collection method: clinical testing. Allele origin: germline.
Comment: In summary, the available evidence is currently insufficient to determine the role of this variant in disease. Therefore, it has been classified as a Variant of Uncertain Significance. Algorithms developed to predict the effect of missense changes on protein structure and function are either unavailable or do not agree on the potential impact of this missense change (SIFT: "Deleterious"; PolyPhen-2: "Benign"; Align-GVGD: "Class C0"). This variant has not been reported in the literature in individuals with G6PC3-related conditions. This variant is not present in population databases (ExAC no frequency). This sequence change replaces alanine with aspartic acid at codon 285 of the G6PC3 protein (p.Ala285Asp). The alanine residue is weakly conserved and there is a moderate physicochemical difference between alanine and aspartic acid.